The following is an entry in ClinVar:

NM_004006.3(DMD):c.7720C>T (p.Gln2574Ter)

Gene: DMD (dystrophin; minus strand). Cytogenetic location: Xp21.1.
Variant type: single nucleotide variant.
Coding change: c.7720C>T on transcript NM_004006.3 (MANE Select); coding-DNA position 7720, C replaced by T.
Protein change: p.Gln2574Ter; replaces glutamine 2574 with a stop codon.
Molecular consequence: nonsense.
Genome position (GRCh38, 1-based): chrX:31,679,527, G>A on the plus strand (C>T on the coding strand, the complement: DMD is on the minus strand). VCF-style: chrX-31679527-G-A. GRCh37 (hg19) VCF-style: chrX-31697644-G-A.
Other names: c.7696C>T, p.Gln2566Ter (NM_000109.4); c.7708C>T, p.Gln2570Ter (NM_004009.3); c.7351C>T, p.Gln2451Ter (NM_004010.3); c.3697C>T, p.Gln1233Ter (NM_004011.4); c.3688C>T, p.Gln1230Ter (NM_004012.4); c.340C>T, p.Gln114Ter (NM_004013.3, NM_004020.4, NM_004021.3 and 2 more transcripts); short protein forms Q2566*, Q2570*, Q114*, Q1230*, Q1233*, Q2451*, Q2574*.
Identifiers: ClinVar variation 941725 (VCV000941725.12), dbSNP rs2082260996, ClinGen allele CA412656888.
Genomic context (GRCh38, chrX:31,679,527, plus strand): 5'-GCTCAGCTTCTTCCTTAGCTTCCAGCCATTGTGTTGAATCCTTTAACATTTCATTCAACT[G>A]TTGCCTCCGGTTCTGAAGGTGTTCTTGTACTTCATCCCACTGATTCTGAATTCTTTCAAC-3'

ClinVar aggregate classification (germline): Pathogenic/Likely pathogenic. Review status: criteria provided, multiple submitters, no conflicts (2 of 4 stars). 2 submissions from 2 submitters: Pathogenic (1); Likely pathogenic (1). Last evaluated 2022-06-13.

Conditions:
DMD-related disorder. Also called: DMD-related condition.
Duchenne muscular dystrophy (DMD). Also called: Duchenne Muscular Dystrophy (DMD); MUSCULAR DYSTROPHY, PSEUDOHYPERTROPHIC PROGRESSIVE, DUCHENNE TYPE. Identifiers: Orphanet 98896, MedGen C0013264, MONDO:0010679, OMIM 310200.

Submissions (2):

Labcorp Genetics (formerly Invitae), Labcorp
Classification: Pathogenic for Duchenne muscular dystrophy. Last evaluated: 2022-06-13. Review status: criteria provided, single submitter. Criteria: Invitae Variant Classification Sherloc (09022015). Collection method: clinical testing. Allele origin: germline.
Comment: For these reasons, this variant has been classified as Pathogenic. ClinVar contains an entry for this variant (Variation ID: 941725). This premature translational stop signal has been observed in individual(s) with Duchenne muscular dystrophy (PMID: 12632325). This variant is not present in population databases (gnomAD no frequency). This sequence change creates a premature translational stop signal (p.Gln2574*) in the DMD gene. It is expected to result in an absent or disrupted protein product. Loss-of-function variants in DMD are known to be pathogenic (PMID: 16770791, 25007885).

Blueprint Genetics
Classification: Likely pathogenic for DMD-related disorders. Last evaluated: 2021-10-21. Review status: criteria provided, single submitter. Criteria: ACMG Guidelines, 2015. Collection method: clinical testing. Allele origin: germline. Affected: yes. Observed: 1 variant allele.

Literature cited by the submitters: PubMed 12632325 (cited by Labcorp Genetics (formerly Invitae), Labcorp); PubMed 16770791 (cited by Labcorp Genetics (formerly Invitae), Labcorp); PubMed 25007885 (cited by Labcorp Genetics (formerly Invitae), Labcorp).